The following is an entry in ClinVar:

NM_005360.5(MAF):c.296A>C (p.Gln99Pro)

Gene: MAF (MAF bZIP transcription factor; minus strand). Cytogenetic location: 16q23.2.
Variant type: single nucleotide variant.
Coding change: c.296A>C on transcript NM_005360.5 (MANE Select); coding-DNA position 296, A replaced by C.
Protein change: p.Gln99Pro; replaces glutamine 99 with proline.
Molecular consequence: missense variant.
Genome position (GRCh38, 1-based): chr16:79,599,607, T>G on the plus strand (A>C on the coding strand, the complement: MAF is on the minus strand). VCF-style: chr16-79599607-T-G. GRCh37 (hg19) VCF-style: chr16-79633504-T-G.
Other names: c.296A>C, p.Gln99Pro (NM_001031804.3); short protein forms Q99P.
Identifiers: ClinVar variation 5017512 (VCV005017512.1).

ClinVar aggregate classification (germline): Uncertain significance (1 of 4 stars; one submission).

gnomAD v4.1: 1 of 1,610,222 alleles (0.000062%); highest among the groups gnomAD compares: Non-Finnish European, 0.000085%; no homozygotes.

Submission:

GeneDx
Classification: Uncertain significance. Last evaluated: 2026-03-25. Review status: criteria provided, single submitter. Criteria: GeneDx Variant Classification Process June 2021. Collection method: clinical testing. Allele origin: germline.
Comment: Not observed at significant frequency in large population cohorts (gnomAD); In silico analysis supports that this missense variant has a deleterious effect on protein structure/function; Has not been previously published as pathogenic or benign to our knowledge